The following is an entry in ClinVar:

ClinVar aggregate classification (germline): Conflicting classifications of pathogenicity. Review status: criteria provided, conflicting classifications (1 of 4 stars). 5 submissions from 5 submitters: Uncertain significance (4); Likely benign (1). Last evaluated 2025-11-27.

Conditions:
Hereditary cancer-predisposing syndrome. Also called: Hereditary Cancer Syndrome; Hereditary neoplastic syndrome; Tumor predisposition; Neoplastic Syndromes, Hereditary. Identifiers: Orphanet 140162, MedGen C0027672, MeSH D009386, MONDO:0015356.
Hereditary nonpolyposis colorectal neoplasms. Identifiers: MedGen C0009405, MeSH D003123.
Lynch syndrome. Identifiers: Orphanet 144, MedGen C4552100, MONDO:0005835. Disease mechanism: loss of function.

Submissions (5):

Dasa
Classification: Uncertain significance. Last evaluated: 2025-11-27. Review status: criteria provided, single submitter. Criteria: DASA Assertion Criteria. Collection method: clinical testing. Allele origin: germline.
Comment: NM_000179.3(MSH6):c.3674C>A (p.Thr1225Lys) is a missense variant that results in the substitution of threonine with lysine. This variant is rare in population databases. The currently available literature and clinical evidence are not sufficient to establish a definitive association between this variant and the reported condition. Therefore, this variant is classified as a variant of uncertain significance.

Ambry Genetics
Classification: Uncertain significance for Hereditary cancer-predisposing syndrome. Last evaluated: 2025-11-04. Review status: criteria provided, single submitter. Criteria: Ambry Variant Classification Scheme 2023. Collection method: clinical testing. Allele origin: germline.
Comment: The p.T1225K variant (also known as c.3674C>A), located in coding exon 8 of the MSH6 gene, results from a C to A substitution at nucleotide position 3674. The threonine at codon 1225 is replaced by lysine, an amino acid with similar properties. This amino acid position is highly conserved in available vertebrate species. In addition, this alteration is predicted to be deleterious by in silico analysis. Since supporting evidence is limited at this time, the clinical significance of this alteration remains unclear.

Color Diagnostics, LLC DBA Color Health
Classification: Uncertain significance for Hereditary cancer-predisposing syndrome. Last evaluated: 2025-07-10. Review status: criteria provided, single submitter. Criteria: ACMG Guidelines, 2015. Collection method: clinical testing. Allele origin: germline.
Comment: This missense variant replaces threonine with lysine at codon 1225 of the MSH6 protein. Computational prediction suggests that this variant may have deleterious impact on protein structure and function. To our knowledge, functional studies have not been reported for this variant. This variant has not been reported in individuals affected with MSH6-related disorders in the literature. This variant has been identified in 1/251248 chromosomes in the general population by the Genome Aggregation Database (gnomAD). The available evidence is insufficient to determine the role of this variant in disease conclusively. Therefore, this variant is classified as a Variant of Uncertain Significance.

Labcorp Genetics (formerly Invitae), Labcorp
Classification: Likely benign for Hereditary nonpolyposis colorectal neoplasms. Last evaluated: 2025-02-10. Review status: criteria provided, single submitter. Criteria: Invitae Variant Classification Sherloc (09022015). Collection method: clinical testing. Allele origin: germline.

All of Us Research Program, National Institutes of Health
Classification: Uncertain significance for Lynch syndrome. Last evaluated: 2023-03-28. Review status: criteria provided, single submitter. Criteria: ACMG Guidelines, 2015. Collection method: clinical testing. Allele origin: germline. Inheritance: Autosomal dominant inheritance. Observed: 1 variant allele, 1 heterozygote.
Comment: This study involves interpretation of variants in research participants for the purpose of population health screening. Participant phenotype was not available at the time of variant classification. Additional details can be found in publication PMID: 35346344, PMCID: PMC8962531

NM_000179.3(MSH6):c.3674C>A (p.Thr1225Lys)

Gene: MSH6 (mutS homolog 6; plus strand). Cytogenetic location: 2p16.3.
Variant type: single nucleotide variant.
Coding change: c.3674C>A on transcript NM_000179.3 (MANE Select); coding-DNA position 3674, C replaced by A.
Protein change: p.Thr1225Lys; replaces threonine 1225 with lysine.
Molecular consequence: missense variant.
Genome position (GRCh38, 1-based): chr2:47,806,231, C>A. VCF-style: chr2-47806231-C-A. GRCh37 (hg19) VCF-style: chr2-48033370-C-A.
Other names: c.3284C>A, p.Thr1095Lys (NM_001281492.2); c.2768C>A, p.Thr923Lys (NM_001281493.2, NM_001281494.2); short protein forms T1225K, T1095K, T923K.
Identifiers: ClinVar variation 638837 (VCV000638837.16), dbSNP rs63750370, ClinGen allele CA071830.